The following is an entry in ClinVar:

NM_001035.3(RYR2):c.14609T>C (p.Phe4870Ser)

Gene: RYR2 (ryanodine receptor 2; plus strand). Cytogenetic location: 1q43.
Variant type: single nucleotide variant.
Coding change: c.14609T>C on transcript NM_001035.3 (MANE Select); coding-DNA position 14609, T replaced by C.
Protein change: p.Phe4870Ser; replaces phenylalanine 4870 with serine.
Molecular consequence: missense variant.
Genome position (GRCh38, 1-based): chr1:237,828,399, T>C. VCF-style: chr1-237828399-T-C. GRCh37 (hg19) VCF-style: chr1-237991699-T-C.
Other names: short protein forms F4870S.
Identifiers: ClinVar variation 2734119 (VCV002734119.3), dbSNP rs2528438090, ClinGen allele CA345429296.

ClinVar aggregate classification (germline): Uncertain significance (1 of 4 stars; one submission).

Conditions:
Catecholaminergic polymorphic ventricular tachycardia 1. Also called: VENTRICULAR TACHYCARDIA, CATECHOLAMINERGIC POLYMORPHIC, 1, WITH OR WITHOUT ATRIAL DYSFUNCTION AND/OR DILATED CARDIOMYOPATHY; RYR2-Related Catecholaminergic Polymorphic Ventricular Tachycardia; VENTRICULAR TACHYCARDIA, STRESS-INDUCED POLYMORPHIC 1. Identifiers: Orphanet 3286, MedGen C1631597, MONDO:0011484, OMIM 604772.

Submission:

Labcorp Genetics (formerly Invitae), Labcorp
Classification: Uncertain significance for Catecholaminergic polymorphic ventricular tachycardia 1. Last evaluated: 2023-12-02. Review status: criteria provided, single submitter. Criteria: Invitae Variant Classification Sherloc (09022015). Collection method: clinical testing. Allele origin: germline.
Comment: This sequence change replaces phenylalanine, which is neutral and non-polar, with serine, which is neutral and polar, at codon 4870 of the RYR2 protein (p.Phe4870Ser). This variant is not present in population databases (gnomAD no frequency). This missense change has been observed in individual(s) with clinical features of RYR2-related conditions (PMID: 29247119). Advanced modeling of protein sequence and biophysical properties (such as structural, functional, and spatial information, amino acid conservation, physicochemical variation, residue mobility, and thermodynamic stability) performed at Invitae indicates that this missense variant is expected to disrupt RYR2 protein function with a positive predictive value of 95%. In summary, the available evidence is currently insufficient to determine the role of this variant in disease. Therefore, it has been classified as a Variant of Uncertain Significance.

Literature cited by the submitters: PubMed 29247119.